The following is an entry in ClinVar:

NM_033380.3(COL4A5):c.3908G>A (p.Gly1303Asp)

Gene: COL4A5 (collagen type IV alpha 5 chain; plus strand). Cytogenetic location: Xq22.3.
Variant type: single nucleotide variant.
Coding change: c.3908G>A on transcript NM_033380.3 (MANE Select); coding-DNA position 3908, G replaced by A.
Protein change: p.Gly1303Asp; replaces glycine 1303 with aspartic acid.
Molecular consequence: missense variant.
Genome position (GRCh38, 1-based): chrX:108,677,599, G>A. VCF-style: chrX-108677599-G-A. GRCh37 (hg19) VCF-style: chrX-107920829-G-A.
Other names: c.3890G>A, p.Gly1297Asp (NM_000495.5); short protein forms G1297D, G1303D.
Identifiers: ClinVar variation 4532255 (VCV004532255.1).

ClinVar aggregate classification (germline): Likely pathogenic (1 of 4 stars; one submission).

Conditions:
Hematuria. Identifiers: MedGen C0018965, HP:0000790.

Submission:

Genetics Laboratory, Great Ormond Street Hospital NHS Foundation Trust, North Thames Genomic Laboratory Hub
Classification: Likely pathogenic for Haematuria. Last evaluated: 2025-10-02. Review status: criteria provided, single submitter. Criteria: ACGS Best Practice Guidelines for Variant Classification in Rare Disease 2024 v1.2. Collection method: clinical testing. Allele origin: germline. Affected: yes.
Comment: PM2_moderate, PP3_supporting, PM1_strong